The following is an entry in ClinVar:

NM_001844.5(COL2A1):c.4120C>T (p.Gln1374Ter)

Gene: COL2A1 (collagen type II alpha 1 chain; minus strand). Cytogenetic location: 12q13.11.
Variant type: single nucleotide variant.
Coding change: c.4120C>T on transcript NM_001844.5 (MANE Select); coding-DNA position 4120, C replaced by T.
Protein change: p.Gln1374Ter; replaces glutamine 1374 with a stop codon.
Molecular consequence: nonsense.
Genome position (GRCh38, 1-based): chr12:47,974,286, G>A on the plus strand (C>T on the coding strand, the complement: COL2A1 is on the minus strand). VCF-style: chr12-47974286-G-A. GRCh37 (hg19) VCF-style: chr12-48368069-G-A.
Other names: c.3913C>T, p.Gln1305Ter (NM_033150.3); short protein forms Q1374*, Q1305*.
Identifiers: ClinVar variation 3648829 (VCV003648829.2).

ClinVar aggregate classification (germline): Pathogenic (1 of 4 stars; one submission).

Submission:

Labcorp Genetics (formerly Invitae), Labcorp
Classification: Pathogenic. Last evaluated: 2024-04-04. Review status: criteria provided, single submitter. Criteria: Invitae Variant Classification Sherloc (09022015). Collection method: clinical testing. Allele origin: germline.
Comment: This sequence change creates a premature translational stop signal (p.Gln1374*) in the COL2A1 gene. It is expected to result in an absent or disrupted protein product. Loss-of-function variants in COL2A1 are known to be pathogenic (PMID: 20179744). This variant is not present in population databases (gnomAD no frequency). This variant has not been reported in the literature in individuals affected with COL2A1-related conditions. For these reasons, this variant has been classified as Pathogenic.

Literature cited by the submitters: PubMed 20179744.